The following is an entry in ClinVar:

ClinVar aggregate classification (germline): Uncertain significance (1 of 4 stars; one submission).

Allele frequency attached by ClinVar (database versions not stated): gnomAD 0.00001 and 0.00003; gnomAD exomes 0.00001; TOPMed 0.00001.
gnomAD v4.1: 24 of 1,550,806 alleles (0.0015%); highest among the groups gnomAD compares: South Asian, 0.0048%; no homozygotes.

Submission:

Labcorp Genetics (formerly Invitae), Labcorp
Classification: Uncertain significance. Last evaluated: 2022-06-25. Review status: criteria provided, single submitter. Criteria: Invitae Variant Classification Sherloc (09022015). Collection method: clinical testing. Allele origin: germline.
Comment: This sequence change replaces serine, which is neutral and polar, with alanine, which is neutral and non-polar, at codon 799 of the UNC80 protein (p.Ser799Ala). The frequency data for this variant in the population databases is considered unreliable, as metrics indicate poor data quality at this position in the gnomAD database. This variant has not been reported in the literature in individuals affected with UNC80-related conditions. Algorithms developed to predict the effect of missense changes on protein structure and function are either unavailable or do not agree on the potential impact of this missense change (SIFT: "Not Available"; PolyPhen-2: "Probably Damaging"; Align-GVGD: "Not Available"). In summary, the available evidence is currently insufficient to determine the role of this variant in disease. Therefore, it has been classified as a Variant of Uncertain Significance.

NM_001371986.1(UNC80):c.2395T>G (p.Ser799Ala)

Gene: UNC80 (unc-80 homolog, NALCN channel complex subunit; plus strand). Cytogenetic location: 2q34.
Variant type: single nucleotide variant.
Coding change: c.2395T>G on transcript NM_001371986.1 (MANE Select); coding-DNA position 2395, T replaced by G.
Protein change: p.Ser799Ala; replaces serine 799 with alanine.
Molecular consequence: missense variant.
Genome position (GRCh38, 1-based): chr2:209,825,970, T>G. VCF-style: chr2-209825970-T-G. GRCh37 (hg19) VCF-style: chr2-210690694-T-G.
Other names: c.2395T>G, p.Ser799Ala (NM_032504.2, NM_182587.4); short protein forms S799A.
Identifiers: ClinVar variation 1410110 (VCV001410110.3), dbSNP rs921658754, ClinGen allele CA64673018.